The following is an entry in ClinVar:

NM_001605.3(AARS1):c.10A>G (p.Thr4Ala)

Gene: AARS1 (alanyl-tRNA synthetase 1; minus strand). Cytogenetic location: 16q22.1.
Variant type: single nucleotide variant.
Coding change: c.10A>G on transcript NM_001605.3 (MANE Select); coding-DNA position 10, A replaced by G.
Protein change: p.Thr4Ala; replaces threonine 4 with alanine.
Molecular consequence: missense variant.
Genome position (GRCh38, 1-based): chr16:70,282,754, T>C on the plus strand (A>G on the coding strand, the complement: AARS1 is on the minus strand). VCF-style: chr16-70282754-T-C. GRCh37 (hg19) VCF-style: chr16-70316657-T-C.
Other names: short protein forms T4A.
Identifiers: ClinVar variation 2031681 (VCV002031681.4), dbSNP rs754308884, ClinGen allele CA396570761.

ClinVar aggregate classification (germline): Uncertain significance (1 of 4 stars; one submission).

Conditions:
Charcot-Marie-Tooth disease type 2. Also called: Charcot-Marie-Tooth type 2. Identifiers: Orphanet 64746, MedGen C0270914, MONDO:0018993.

gnomAD v4.1: 1 of 1,613,594 alleles (0.000062%); highest among the groups gnomAD compares: Non-Finnish European, 0.000085%; no homozygotes.

Submission:

Labcorp Genetics (formerly Invitae), Labcorp
Classification: Uncertain significance for Charcot-Marie-Tooth disease type 2. Last evaluated: 2023-03-31. Review status: criteria provided, single submitter. Criteria: Invitae Variant Classification Sherloc (09022015). Collection method: clinical testing. Allele origin: germline.
Comment: ClinVar contains an entry for this variant (Variation ID: 2031681). This variant has not been reported in the literature in individuals affected with AARS-related conditions. This variant is not present in population databases (gnomAD no frequency). This sequence change replaces threonine, which is neutral and polar, with alanine, which is neutral and non-polar, at codon 4 of the AARS protein (p.Thr4Ala). An algorithm developed to predict the effect of missense changes on protein structure and function (PolyPhen-2) suggests that this variant is likely to be tolerated. In summary, the available evidence is currently insufficient to determine the role of this variant in disease. Therefore, it has been classified as a Variant of Uncertain Significance.